The following is an entry in ClinVar:

NM_001127644.2(GABRA1):c.560-95_598del

Gene: GABRA1 (gamma-aminobutyric acid type A receptor subunit alpha1; plus strand). Cytogenetic location: 5q34.
Variant type: Deletion.
Coding change: c.560-95_598del on transcript NM_001127644.2 (MANE Select); 95 bases into the intron before coding-DNA position 560 through coding-DNA position 598, 134 bases deleted.
Molecular consequence: splice acceptor variant.
Genome position (GRCh38, 1-based): chr5:161,882,463-161,882,596, 134 bases deleted. GRCh37 (hg19): chr5:161,309,469-161,309,602.
Other names: c.560-95_598del (NM_000806.5, NM_001127643.2, NM_001127645.2 and 1 more transcripts).
Identifiers: ClinVar variation 2950039 (VCV002950039.3), dbSNP rs2532261315, ClinGen allele CA2740094181.

ClinVar aggregate classification (germline): Pathogenic (1 of 4 stars; one submission).

Conditions:
Idiopathic generalized epilepsy. Also called: EIG; Generalised epilepsy. Identifiers: MedGen C0270850, MONDO:0005579, OMIM 600669.
Epilepsy, idiopathic generalized, susceptibility to, 13. Also called: EPILEPSY, JUVENILE MYOCLONIC, SUSCEPTIBILITY TO, 5. Identifiers: Orphanet 307, Orphanet 64280, MedGen C4013473, MONDO:0012627, OMIM 611136.
Epilepsy, childhood absence 4 (ECA4). Also called: EPILEPSY, CHILDHOOD ABSENCE, SUSCEPTIBILITY TO, 4. Identifiers: Orphanet 307, MedGen C1970160.

Submission:

Labcorp Genetics (formerly Invitae), Labcorp
Classification: Pathogenic for Epilepsy, childhood absence 4; Epilepsy, idiopathic generalized, susceptibility to, 13; Idiopathic generalized epilepsy. Last evaluated: 2023-07-18. Review status: criteria provided, single submitter. Criteria: Invitae Variant Classification Sherloc (09022015). Collection method: clinical testing. Allele origin: germline.
Comment: Algorithms developed to predict the effect of sequence changes on RNA splicing suggest that this variant may disrupt the consensus splice site. For these reasons, this variant has been classified as Pathogenic. This variant disrupts a region of the GABRA1 protein in which other variant(s) (p.Ala188Asp) have been determined to be pathogenic (Invitae). This suggests that this is a clinically significant region of the protein, and that variants that disrupt it are likely to be disease-causing. This variant has not been reported in the literature in individuals affected with GABRA1-related conditions. This variant is not present in population databases (gnomAD no frequency). This variant results in the deletion of part of exon 8 (c.560-95_598del) of the GABRA1 gene. It is expected to disrupt RNA splicing. Variants that disrupt the donor or acceptor splice site typically lead to a loss of protein function (PMID: 16199547), and loss-of-function variants in GABRA1 are known to be pathogenic (PMID: 16718694).

Literature cited by the submitters: PubMed 16199547; PubMed 16718694.